The following is an entry in ClinVar:

NM_014714.4(IFT140):c.1607T>C (p.Val536Ala)

Gene: IFT140 (intraflagellar transport 140; minus strand). Cytogenetic location: 16p13.3.
Variant type: single nucleotide variant.
Coding change: c.1607T>C on transcript NM_014714.4 (MANE Select); coding-DNA position 1607, T replaced by C.
Protein change: p.Val536Ala; replaces valine 536 with alanine.
Molecular consequence: missense variant.
Genome position (GRCh38, 1-based): chr16:1,571,452, A>G on the plus strand (T>C on the coding strand, the complement: IFT140 is on the minus strand). VCF-style: chr16-1571452-A-G. GRCh37 (hg19) VCF-style: chr16-1621453-A-G.
Other names: short protein forms V536A.
Identifiers: ClinVar variation 1436014 (VCV001436014.7), dbSNP rs1206065799, ClinGen allele CA394209164.

ClinVar aggregate classification (germline): Uncertain significance. Review status: criteria provided, multiple submitters, no conflicts (2 of 4 stars). 2 submissions from 2 submitters: Uncertain significance (2). Last evaluated 2024-10-30.

Conditions:
Saldino-Mainzer syndrome (SRTD9). Also called: Renal dysplasia, retinal pigmentary dystrophy, cerebellar ataxia and skeletal dysplasia; short-rib thoracic dysplasia 9 with or without polydactyly; CONORENAL SYNDROME; SHORT-RIB THORACIC DYSPLASIA 9 WITHOUT POLYDACTYLY. Identifiers: Orphanet 140969, MedGen C1849437, MONDO:0009964, OMIM 266920.

Allele frequency attached by ClinVar (database versions not stated): TOPMed below 0.00001; gnomAD 0.00001; gnomAD exomes 0.00001.
gnomAD v4.1: 12 of 1,614,100 alleles (0.00074%); highest among the groups gnomAD compares: Non-Finnish European, 0.001%; no homozygotes.

Submissions (2):

Blueprint Genetics
Classification: Uncertain significance. Last evaluated: 2024-10-30. Review status: criteria provided, single submitter. Criteria: ACMG Guidelines, 2015. Collection method: clinical testing. Allele origin: germline.

Labcorp Genetics (formerly Invitae), Labcorp
Classification: Uncertain significance for Saldino-Mainzer syndrome. Last evaluated: 2021-10-31. Review status: criteria provided, single submitter. Criteria: Invitae Variant Classification Sherloc (09022015). Collection method: clinical testing. Allele origin: germline.
Comment: This sequence change replaces valine, which is neutral and non-polar, with alanine, which is neutral and non-polar, at codon 536 of the IFT140 protein (p.Val536Ala). This variant is not present in population databases (gnomAD no frequency). This variant has not been reported in the literature in individuals affected with IFT140-related conditions. Algorithms developed to predict the effect of missense changes on protein structure and function output the following: SIFT: "Tolerated"; PolyPhen-2: "Benign"; Align-GVGD: "Class C0". The alanine amino acid residue is found in multiple mammalian species, which suggests that this missense change does not adversely affect protein function. In summary, the available evidence is currently insufficient to determine the role of this variant in disease. Therefore, it has been classified as a Variant of Uncertain Significance.